The following is an entry in ClinVar:

NM_006514.4(SCN10A):c.3569A>T (p.Asp1190Val)

Gene: SCN10A (sodium voltage-gated channel alpha subunit 10; minus strand). Cytogenetic location: 3p22.2.
Variant type: single nucleotide variant.
Coding change: c.3569A>T on transcript NM_006514.4 (MANE Select); coding-DNA position 3569, A replaced by T.
Protein change: p.Asp1190Val; replaces aspartic acid 1190 with valine.
Molecular consequence: missense variant.
Genome position (GRCh38, 1-based): chr3:38,718,765, T>A on the plus strand (A>T on the coding strand, the complement: SCN10A is on the minus strand). VCF-style: chr3-38718765-T-A. GRCh37 (hg19) VCF-style: chr3-38760256-T-A.
Other names: c.3566A>T, p.Asp1189Val (NM_001293306.2); c.3275A>T, p.Asp1092Val (NM_001293307.2); short protein forms D1092V, D1190V, D1189V.
Identifiers: ClinVar variation 4614869 (VCV004614869.1).
Genomic context (GRCh38, chr3:38,718,765, plus strand): 5'-AAGCCATAGGCCACCCACTTAAGCAGCATCTCGAACACAAAGATAAAGGTGAAGACCCTG[T>A]CAGTGTACTCCAGCAAAGCTTTCACCGTGGGCTTCTGGTCCAGGTAATAGTCTTCAAAGG-3'
Protein context (NP_006505.4, residues 1180-1200): PTVKALLEYT[Asp1190Val]RVFTFIFVFE

ClinVar aggregate classification (germline): Uncertain significance (1 of 4 stars; one submission).

Conditions:
Cardiovascular phenotype. Identifiers: MedGen CN230736.

Submission:

Ambry Genetics
Classification: Uncertain significance for Cardiovascular phenotype. Last evaluated: 2025-09-28. Review status: criteria provided, single submitter. Criteria: Ambry Variant Classification Scheme 2023. Collection method: clinical testing. Allele origin: germline.
Comment: The p.D1190V variant (also known as c.3569A>T), located in coding exon 20 of the SCN10A gene, results from an A to T substitution at nucleotide position 3569. The aspartic acid at codon 1190 is replaced by valine, an amino acid with highly dissimilar properties. This amino acid position is conserved. In addition, this alteration is predicted to be deleterious by in silico analysis. Based on the available evidence, the clinical significance of this variant remains unclear.